The following is an entry in ClinVar:

ClinVar aggregate classification (germline): Likely pathogenic (1 of 4 stars; one submission).

Conditions:
Intellectual developmental disorder, autosomal recessive 18, with or without epilepsy. Also called: Intellectual disability, autosomal recessive 18. Identifiers: Orphanet 88616, MedGen C3280265, MONDO:0013651, OMIM 614249.

Submission:

Juno Genomics, Hangzhou Juno Genomics, Inc
Classification: Likely pathogenic for Intellectual developmental disorder, autosomal recessive 18, with or without epilepsy. Review status: criteria provided, single submitter. Criteria: ACMG Guidelines, 2015. Collection method: clinical testing. Allele origin: germline. Affected: yes.
Comment: Absent from controls (or at extremely low frequency if recessive) in Genome Aggregation Database, Exome Sequencing Project, 1000 Genomes Project, or Exome Aggregation Consortium.;Null variant in a gene where loss of function (LOF) is a known mechanism of disease.

NM_004830.4(MED23):c.3145del (p.Tyr1048_Leu1049insTer)

Gene: MED23 (mediator complex subunit 23; minus strand). Cytogenetic location: 6q23.2.
Variant type: Deletion.
Coding change: c.3145del on transcript NM_004830.4 (MANE Select); coding-DNA position 3145, one base deleted (C; older notation c.3145delC).
Protein change: p.Tyr1048_Leu1049insTer.
Molecular consequence: nonsense.
Genome position (GRCh38, 1-based): chr6:131,594,186, G deleted on the plus strand (C on the coding strand, the reverse complement: MED23 is on the minus strand); the first of 2 consecutive G bases (chr6:131,594,186-131,594,187); deleting either gives the same sequence. VCF-style (leftmost placement, unchanged base first): chr6-131594185-AG-A. GRCh37 (hg19) VCF-style: chr6-131915325-AG-A.
Other names: c.3145del, p.Tyr1048_Leu1049insTer (NM_001270521.2, NM_001270522.2); c.3163del, p.Tyr1054_Leu1055insTer (NM_001376517.1, NM_015979.4); c.3091del, p.Tyr1030_Leu1031insTer (NM_001376518.1); c.3007del, p.Tyr1002_Leu1003insTer (NM_001376519.1, NM_001376521.1); c.3004del, p.Tyr1001_Leu1002insTer (NM_001376520.1); c.2974del, p.Tyr991_Leu992insTer (NM_001376522.1); c.2890del, p.Tyr963_Leu964insTer (NM_001376523.1); c.2758del, p.Tyr919_Leu920insTer (NM_001376524.1).
Identifiers: ClinVar variation 3382460 (VCV003382460.2).
Genomic context (GRCh38, chr6:131,594,185, plus strand): 5'-CAATAGTAGGTGTCATCTGGAACCCAAGGATTTTCCTCTCGTGCATTCATAGCGCATTTC[AG>A]GTAAGTGTCACTTAGACACCAGCCCTGCGGTCGATTATCCTTCAGAGAGCCAATGATCGC-3'